The following is an entry in ClinVar:

NM_024652.6(LRRK1):c.5478G>A (p.Thr1826=)

Genes: LRRK1 (leucine rich repeat kinase 1; plus strand), LRRK1-AS1 (LRRK1 antisense RNA 1; minus strand). Cytogenetic location: 15q26.3.
Variant type: single nucleotide variant.
Coding change: c.5478G>A on transcript NM_024652.6 (MANE Select); coding-DNA position 5478, G replaced by A.
Protein change: p.Thr1826=; no amino-acid change (threonine 1826 retained).
Molecular consequence: synonymous variant.
Genome position (GRCh38, 1-based): chr15:101,065,915, G>A. VCF-style: chr15-101065915-G-A. GRCh37 (hg19) VCF-style: chr15-101606120-G-A.
Other names: c.5478G>A (NM_024652.5).
Identifiers: ClinVar variation 1535573 (VCV001535573.10), dbSNP rs55897723, ClinGen allele CA7762155.

ClinVar aggregate classification (germline): Benign. Review status: criteria provided, single submitter (1 of 4 stars). 2 submissions from 2 submitters: Benign (1). 1 of the submissions does not count toward it. Last evaluated 2026-01-08.

Conditions:
LRRK1-related disorder. Also called: LRRK1-related condition.

Allele frequency attached by ClinVar (database versions not stated): ESP Exome Variant Server 0.00008; gnomAD exomes 0.00030 and 0.00136; gnomAD 0.00039 and 0.00054; TOPMed 0.00070; ExAC 0.00115; 1000 Genomes Project 0.00339; 1000 Genomes Project 30x 0.00344.
gnomAD v4.1: 555 of 1,614,156 alleles (0.034%); highest among the groups gnomAD compares: East Asian, 1%; 4 homozygotes.

Submissions (2):

Labcorp Genetics (formerly Invitae), Labcorp
Classification: Benign. Last evaluated: 2026-01-08. Review status: criteria provided, single submitter. Criteria: Invitae Variant Classification Sherloc (09022015). Collection method: clinical testing. Allele origin: germline.

PreventionGenetics, part of Exact Sciences
Classification: Benign for LRRK1-related condition. Last evaluated: 2019-04-16. Review status: no assertion criteria provided. Collection method: clinical testing. Allele origin: germline. Not counted in ClinVar's aggregate classification.
Comment: This variant is classified as benign based on ACMG/AMP sequence variant interpretation guidelines (Richards et al. 2015 PMID: 25741868, with internal and published modifications).